The following is an entry in ClinVar:

ClinVar aggregate classification (germline): Uncertain significance (1 of 4 stars; one submission).

Conditions:
Early-infantile DEE. Also called: Early infantile epileptic encephalopathy with suppression bursts; Ohtahara syndrome; Early infantile epileptic encephalopathy. Identifiers: Orphanet 1934, MedGen C0393706, MONDO:0800491.

Allele frequency attached by ClinVar (database versions not stated): TOPMed 0.00001.
gnomAD v4.1: 3 of 1,613,814 alleles (0.00019%); highest among the groups gnomAD compares: Admixed American, 0.0017%; no homozygotes.

Submission:

Labcorp Genetics (formerly Invitae), Labcorp
Classification: Uncertain significance for Early-infantile DEE. Last evaluated: 2025-12-23. Review status: criteria provided, single submitter. Criteria: Invitae Variant Classification Sherloc (09022015). Collection method: clinical testing. Allele origin: germline.
Comment: This sequence change falls in intron 5 of the GNAO1 gene. It does not directly change the encoded amino acid sequence of the GNAO1 protein. It affects a nucleotide within the consensus splice site. This variant is present in population databases (rs367545187, gnomAD 0.003%). This variant has not been reported in the literature in individuals affected with GNAO1-related conditions. ClinVar contains an entry for this variant (Variation ID: 1004626). Variants that disrupt the consensus splice site are a relatively common cause of aberrant splicing (PMID: 17576681, 9536098). Algorithms developed to predict the effect of sequence changes on RNA splicing suggest that this variant is not likely to affect RNA splicing. In summary, the available evidence is currently insufficient to determine the role of this variant in disease. Therefore, it has been classified as a Variant of Uncertain Significance.

Literature cited by the submitters: PubMed 17576681; PubMed 9536098.

NM_020988.3(GNAO1):c.593+6G>A

Gene: GNAO1 (G protein subunit alpha o1; plus strand). Cytogenetic location: 16q13.
Variant type: single nucleotide variant.
Coding change: c.593+6G>A on transcript NM_020988.3 (MANE Select); 6 bases into the intron after coding-DNA position 593, G replaced by A.
Molecular consequence: intron variant.
Genome position (GRCh38, 1-based): chr16:56,334,863, G>A. VCF-style: chr16-56334863-G-A. GRCh37 (hg19) VCF-style: chr16-56368775-G-A.
Other names: c.593+6G>A (NM_138736.3).
Identifiers: ClinVar variation 1004626 (VCV001004626.7), dbSNP rs367545187, ClinGen allele CA8063797.